The following is an entry in ClinVar:

NM_004004.6(GJB2):c.596C>T (p.Ser199Phe)

Gene: GJB2 (gap junction protein beta 2; minus strand). Cytogenetic location: 13q12.11.
Variant type: single nucleotide variant.
Coding change: c.596C>T on transcript NM_004004.6 (MANE Select); coding-DNA position 596, C replaced by T.
Protein change: p.Ser199Phe; replaces serine 199 with phenylalanine.
Molecular consequence: missense variant.
Genome position (GRCh38, 1-based): chr13:20,188,986, G>A on the plus strand (C>T on the coding strand, the complement: GJB2 is on the minus strand). VCF-style: chr13-20188986-G-A. GRCh37 (hg19) VCF-style: chr13-20763125-G-A.
Other names: short protein forms S199F.
Identifiers: ClinVar variation 189183 (VCV000189183.34), dbSNP rs771748289, ClinGen allele CA274470.

ClinVar aggregate classification (germline): Pathogenic. Review status: criteria provided, multiple submitters, no conflicts (2 of 4 stars). 14 submissions from 14 submitters: Pathogenic (11). 3 of the submissions do not count toward it. Last evaluated 2026-01-28.

Conditions:
Rare genetic deafness. Identifiers: Orphanet 96210, MedGen C5680250.
GJB2-related disorder. Also called: GJB2-related condition; GJB2-related disorders. Identifiers: MedGen CN382183, MONDO:1060236.
Autosomal dominant keratitis-ichthyosis-hearing loss syndrome. Also called: Senter syndrome; KID SYNDROME, AUTOSOMAL DOMINANT; HID SYNDROME. Identifiers: Orphanet 477, MedGen C0265336, MONDO:0007850, OMIM 148210.
Autosomal recessive nonsyndromic hearing loss 1A (DFNB1A). Also called: GJB2-Related Autosomal Recessive Nonsyndromic Hearing Loss; GJB6-Related DFNB 1 Nonsyndromic Hearing Loss and Deafness; Connexin 26 deafness; Deafness nonsyndromic, Connexin 26 linked; Nonsyndromic Hearing Loss and Deafness, DFNB1; Deafness, autosomal recessive 1A. Identifiers: Orphanet 90636, MedGen C2673759, MONDO:0009076, OMIM 220290.
Palmoplantar keratoderma-deafness syndrome. Also called: Keratoderma palmoplantar, with deafness; Palmoplantar keratoderma and sensorineural deafness; Hereditary palmoplantar keratoderma with deafness (subtype); Focal palmoplantar keratoderma with sensorineural deafness (subtype); Diffuse palmoplantar keratoderma with deafness (subtype). Identifiers: Orphanet 2202, MedGen C1835672, MONDO:0007852, OMIM 148350.
Ichthyosis, hystrix-like, with hearing loss. Also called: Hystrix-like ichthyosis with deafness. Identifiers: Orphanet 477, MedGen C1865234, MONDO:0011245.
Knuckle pads, deafness AND leukonychia syndrome. Also called: Bart-Pumphrey syndrome. Identifiers: Orphanet 2698, MedGen C0266004, MONDO:0007866, OMIM 149200.
Autosomal dominant nonsyndromic hearing loss 3A. Identifiers: Orphanet 90635, MedGen C2675750, MONDO:0011103, OMIM 601544.
Mutilating keratoderma (VOWNKL). Also called: Keratoderma hereditarium mutilans. Identifiers: Orphanet 494, MedGen C0265964, MONDO:0007422, OMIM 124500.

Allele frequency attached by ClinVar (database versions not stated): TOPMed below 0.00001; ExAC 0.00001; gnomAD exomes 0.00001; gnomAD 0.00002.
gnomAD v4.1: 10 of 1,613,868 alleles (0.00062%); highest among the groups gnomAD compares: Admixed American, 0.017%; no homozygotes.

Submissions 1 to 8 of 14:

Labcorp Genetics (formerly Invitae), Labcorp
Classification: Pathogenic. Last evaluated: 2026-01-28. Review status: criteria provided, single submitter. Criteria: Invitae Variant Classification Sherloc (09022015). Collection method: clinical testing. Allele origin: germline.
Comment: This sequence change replaces serine, which is neutral and polar, with phenylalanine, which is neutral and non-polar, at codon 199 of the GJB2 protein (p.Ser199Phe). This variant is present in population databases (rs771748289, gnomAD 0.006%). This missense change has been observed in individuals with autosomal recessive nonsyndromic deafness (PMID: 15365987, 19027181). ClinVar contains an entry for this variant (Variation ID: 189183). Invitae Evidence Modeling of protein sequence and biophysical properties (such as structural, functional, and spatial information, amino acid conservation, physicochemical variation, residue mobility, and thermodynamic stability) indicates that this missense variant is expected to disrupt GJB2 protein function with a positive predictive value of 95%. Experimental studies have shown that this missense change affects GJB2 function (PMID: 20863150, 23967136). For these reasons, this variant has been classified as Pathogenic.

PreventionGenetics, part of Exact Sciences
Classification: Pathogenic for GJB2-related condition. Last evaluated: 2026-01-27. Review status: criteria provided, single submitter. Criteria: ACMG Guidelines, 2015. Collection method: clinical testing. Allele origin: germline.
Comment: The GJB2 c.596C>T variant is predicted to result in the amino acid substitution p.Ser199Phe. This variant has been reported as pathogenic for autosomal recessive hearing loss (Green et al. 1999. PubMed ID: 10376574; Table S4, Shearer et al. 2014. PubMed ID: 25262649; García-García et al. 2020. PubMed ID: 33297549; Rodriguez-Paris et al. 2011. PubMed ID: 21738759), and functional experiments have demonstrated aberrant GJB2 protein localization to the cytoplasm (Ambrosi et al. 2013. PubMed ID: 23967136). This variant is reported in 0.0058% of alleles in individuals of Latino descent in gnomAD. This variant is interpreted as pathogenic.

Natera, Inc.
Classification: Pathogenic for Autosomal recessive deafness type 1A. Last evaluated: 2025-11-18. Review status: criteria provided, single submitter. Criteria: Natera Variant Classification Schema (03/2026). Collection method: clinical testing. Allele origin: germline.
Comment: The c.596C>T variant in GJB2 is a missense variant predicted to cause substitution of serine to phenylalanine at amino acid 199. This variant is rare in the general population with a frequency below the threshold expected for the associated phenotype(s). This variant has been observed in one or more individuals affected with the associated recessive disease, as either homozygous or compound heterozygous with a second variant (PMID: 19027181, 33297549). Given the available evidence, this variant is classified as Pathogenic.

Victorian Clinical Genetics Services, Murdoch Childrens Research Institute
Classification: Pathogenic for Autosomal recessive nonsyndromic hearing loss 1A. Last evaluated: 2025-08-18. Review status: criteria provided, single submitter. Criteria: ACMG Guidelines, 2015. Collection method: clinical testing. Allele origin: germline. Affected: yes.
Comment: This variant is classified as Pathogenic. Evidence in support of pathogenic classification: Variant is present in gnomAD <0.01 (v4: 10 heterozygote(s), 0 homozygote(s)); This variant has strong previous evidence of pathogenicity in unrelated individuals. This variant has been classified as pathogenic by multiple clinical laboratories (ClinVar). This variant has been reported in homozygous and compound heterozygous individuals affected with hearing loss (PMIDs: 25085072, 37811145); Missense variant predicted to be damaging by in silico tool(s) or highly conserved with a major amino acid change. Additional information: Variant is predicted to result in a missense amino acid change from Ser to Phe; This variant is heterozygous; This gene is associated with both recessive and dominant disease. The autosomal dominant diseases are commonly associated with pathogenic missense variants. The autosomal recessive disease is associated with bi-allelic loss-of-function variants and includes missense and protein truncating variants (NIH Genetics Home Reference, PMID: 12792423); Alternative amino acid change(s) at the same position are present in gnomAD (highest allele count: v4: 1 heterozygote(s), 0 homozygote(s)); Variant is located in the annotated connexin domain (DECIPHER); Loss of function is a known mechanism of disease in this gene and is associated with both deafness and skin conditions (OMIM). Dominant negative is also a suggested mechanism (PMID: 28428247); The condition associated with this gene has incomplete penetrance (PMID:31160754); Variants in this gene are known to have variable expressivity. Severity can range from mild to profound, with intrafamilial variability also observed. Commonly, truncating variants are associated with a more severe hearing loss (PMID: 20301449); Inheritance information for this variant is not currently available in this individual.

GeneDx
Classification: Pathogenic. Last evaluated: 2025-05-21. Review status: criteria provided, single submitter. Criteria: GeneDx Variant Classification Process June 2021. Collection method: clinical testing. Allele origin: germline.
Comment: Published functional studies demonstrate impaired membrane targeting, aberrant cellular localization, and intracellular aggregation (PMID: 23967136, 20863150); In silico analysis supports that this missense variant has a deleterious effect on protein structure/function; This variant is associated with the following publications: (PMID: 10376574, 25388846, 20863150, 21738759, 31589614, 23967136, 25085072, 25999548, 25262649, 19027181, 11102979, 15365987, 29311818, 36048236, 31160754, 12408072, 33297549)

Fulgent Genetics
Classification: Pathogenic for Mutilating keratoderma; Autosomal dominant keratitis-ichthyosis-hearing loss syndrome; Palmoplantar keratoderma-deafness syndrome; Knuckle pads, deafness AND leukonychia syndrome; Autosomal recessive nonsyndromic hearing loss 1A; Autosomal dominant nonsyndromic hearing loss 3A. Last evaluated: 2024-03-28. Review status: criteria provided, single submitter. Criteria: ACMG Guidelines, 2015. Collection method: clinical testing. Allele origin: germline.

Revvity Omics, Revvity
Classification: Pathogenic. Last evaluated: 2021-03-24. Review status: criteria provided, single submitter. Criteria: ACMG Guidelines, 2015. Collection method: clinical testing. Allele origin: germline.

Athena Diagnostics
Classification: Pathogenic. Last evaluated: 2019-06-14. Review status: criteria provided, single submitter. Criteria: Athena Diagnostics Criteria. Collection method: clinical testing. Allele origin: germline.
Comment: The best available variant frequency is uninformative because it is below the disease allele frequency. Statistically enriched in patients compared to ethnically matched controls. Found in at least one symptomatic patient. Predicted to have a damaging effect on the protein. Occurs in three or more cases with a recessive pathogenic variant in the same gene. Damaging to protein function(s) relevant to disease mechanism. Moderate co-segregation with disease in multiple families, but using affected individuals only.